The following is an entry in ClinVar:

NM_194248.3(OTOF):c.2215-1G>A

Gene: OTOF (otoferlin; minus strand). Cytogenetic location: 2p23.3.
Variant type: single nucleotide variant.
Coding change: c.2215-1G>A on transcript NM_194248.3 (MANE Select); the canonical splice acceptor site of the intron before coding-DNA position 2215, G replaced by A.
Molecular consequence: splice acceptor variant. On other transcripts: synonymous variant (1).
Genome position (GRCh38, 1-based): chr2:26,477,750, C>T on the plus strand (G>A on the coding strand, the complement: OTOF is on the minus strand). VCF-style: chr2-26477750-C-T. GRCh37 (hg19) VCF-style: chr2-26700618-C-T.
Other names: c.144G>A, p.Gln48= (NM_194322.3); c.2215-1G>A (NM_001287489.2); c.-27-1G>A (NM_194323.3, NM_004802.4).
Identifiers: ClinVar variation 632358 (VCV000632358.8), dbSNP rs1558486388, ClinGen allele CA346124256.

ClinVar aggregate classification (germline): Pathogenic (1 of 4 stars; one submission).

Submissions (2):

Labcorp Genetics (formerly Invitae), Labcorp
Classification: Pathogenic. Last evaluated: 2023-04-23. Review status: criteria provided, single submitter. Criteria: Invitae Variant Classification Sherloc (09022015). Collection method: clinical testing. Allele origin: germline.
Comment: ClinVar contains an entry for this variant (Variation ID: 632358). Disruption of this splice site has been observed in individual(s) with congenital auditory neuropathy spectrum disorder (PMID: 26818607). In at least one individual the data is consistent with being in trans (on the opposite chromosome) from a pathogenic variant. This variant is not present in population databases (gnomAD no frequency). This sequence change affects an acceptor splice site in intron 18 of the OTOF gene. It is expected to disrupt RNA splicing. Variants that disrupt the donor or acceptor splice site typically lead to a loss of protein function (PMID: 16199547), and loss-of-function variants in OTOF are known to be pathogenic (PMID: 18381613, 19250381, 22575033). Algorithms developed to predict the effect of sequence changes on RNA splicing suggest that this variant may disrupt the consensus splice site. For these reasons, this variant has been classified as Pathogenic.

Dr. Peter K. Rogan Lab, Western University
No classification provided (evidence only). Condition: Glioma susceptibility 1. Review status: no classification provided. Collection method: in vitro. Allele origin: not applicable. Functional consequence: retained intron. Not counted in ClinVar's aggregate classification.

Literature cited by the submitters: PubMed 26818607 (cited by Labcorp Genetics (formerly Invitae), Labcorp); PubMed 16199547 (cited by Labcorp Genetics (formerly Invitae), Labcorp); PubMed 18381613 (cited by Labcorp Genetics (formerly Invitae), Labcorp); PubMed 19250381 (cited by Labcorp Genetics (formerly Invitae), Labcorp); PubMed 22575033 (cited by Labcorp Genetics (formerly Invitae), Labcorp).